The following is an entry in ClinVar:

NM_005228.5(EGFR):c.2800C>T (p.Pro934Ser)

Gene: EGFR (epidermal growth factor receptor; plus strand). Cytogenetic location: 7p11.2.
Variant type: single nucleotide variant.
Coding change: c.2800C>T on transcript NM_005228.5 (MANE Select); coding-DNA position 2800, C replaced by T.
Protein change: p.Pro934Ser; replaces proline 934 with serine.
Molecular consequence: missense variant.
Genome position (GRCh38, 1-based): chr7:55,198,815, C>T. VCF-style: chr7-55198815-C-T. GRCh37 (hg19) VCF-style: chr7-55266508-C-T.
Other names: c.2665C>T, p.Pro889Ser (NM_001346897.2, NM_001346899.2); c.2800C>T, p.Pro934Ser (NM_001346898.2); c.2641C>T, p.Pro881Ser (NM_001346900.2); c.1999C>T, p.Pro667Ser (NM_001346941.2); c.2800C>T (NM_005228.4); short protein forms P934S, P881S, P889S, P667S.
Identifiers: ClinVar variation 584698 (VCV000584698.13), dbSNP rs575565383, ClinGen allele CA4266178.
Genomic context (GRCh38, chr7:55,198,815, plus strand): 5'-CCATATGACGGAATCCCTGCCAGCGAGATCTCCTCCATCCTGGAGAAAGGAGAACGCCTC[C>T]CTCAGCCACCCATATGTACCATCGATGTCTACATGATCATGGTCAAGTGTGAGTGACTGG-3'
Protein context (NP_005219.2, residues 924-944): SSILEKGERL[Pro934Ser]QPPICTIDVY

ClinVar aggregate classification (germline): Uncertain significance. Review status: criteria provided, multiple submitters, no conflicts (2 of 4 stars). 5 submissions from 5 submitters: Uncertain significance (5). Last evaluated 2026-01-27.

Conditions:
Hereditary cancer. Identifiers: MedGen C1333600.
EGFR-related lung cancer (EGFR). Identifiers: MedGen CN130014.
EGFR-related disorder. Also called: EGFR-related condition.
Hereditary cancer-predisposing syndrome. Also called: Neoplastic Syndromes, Hereditary; Tumor predisposition; Hereditary Cancer Syndrome; Hereditary neoplastic syndrome. Identifiers: Orphanet 140162, MedGen C0027672, MeSH D009386, MONDO:0015356.

Allele frequency attached by ClinVar (database versions not stated): gnomAD exomes 0.00001 and 0.00002; ExAC 0.00002; TOPMed 0.00010; gnomAD 0.00011 and 0.00012; 1000 Genomes Project 30x 0.00031; 1000 Genomes Project 0.00040.
gnomAD v4.1: 27 of 1,614,202 alleles (0.0017%); highest among the groups gnomAD compares: African/African-American, 0.029%; no homozygotes.

Submissions (5):

Labcorp Genetics (formerly Invitae), Labcorp
Classification: Uncertain significance for EGFR-related lung cancer. Last evaluated: 2026-01-27. Review status: criteria provided, single submitter. Criteria: Invitae Variant Classification Sherloc (09022015). Collection method: clinical testing. Allele origin: germline.
Comment: This sequence change replaces proline, which is neutral and non-polar, with serine, which is neutral and polar, at codon 934 of the EGFR protein (p.Pro934Ser). This variant is present in population databases (rs575565383, gnomAD 0.02%). This variant has not been reported in the literature in individuals affected with EGFR-related conditions. ClinVar contains an entry for this variant (Variation ID: 584698). Invitae Evidence Modeling of protein sequence and biophysical properties (such as structural, functional, and spatial information, amino acid conservation, physicochemical variation, residue mobility, and thermodynamic stability) indicates that this missense variant is not expected to disrupt EGFR protein function with a negative predictive value of 80%. In summary, the available evidence is currently insufficient to determine the role of this variant in disease. Therefore, it has been classified as a Variant of Uncertain Significance.

PreventionGenetics, part of Exact Sciences
Classification: Uncertain significance for EGFR-related condition. Last evaluated: 2026-01-02. Review status: criteria provided, single submitter. Criteria: ACMG Guidelines, 2015. Collection method: clinical testing. Allele origin: germline.
Comment: The EGFR c.2800C>T variant is predicted to result in the amino acid substitution p.Pro934Ser. To our knowledge, this variant has not been reported in the literature. This variant is reported in 0.020% of alleles in individuals of African descent in gnomAD and is reported as uncertain in ClinVar (Variation ID: 584698). At this time, the clinical significance of this variant is uncertain due to the absence of conclusive functional and genetic evidence.

Ambry Genetics
Classification: Uncertain significance for Hereditary cancer-predisposing syndrome. Last evaluated: 2024-12-16. Review status: criteria provided, single submitter. Criteria: Ambry Variant Classification Scheme 2023. Collection method: clinical testing. Allele origin: germline.
Comment: The p.P934S variant (also known as c.2800C>T), located in coding exon 23 of the EGFR gene, results from a C to T substitution at nucleotide position 2800. The proline at codon 934 is replaced by serine, an amino acid with similar properties. This amino acid position is highly conserved in available vertebrate species. In addition, the in silico prediction for this alteration is inconclusive. Based on the available evidence, the clinical significance of this variant remains unclear.

Sema4
Classification: Uncertain significance for Hereditary cancer-predisposing syndrome. Last evaluated: 2022-02-09. Review status: criteria provided, single submitter. Criteria: Sema4 Curation Guidelines. Collection method: curation. Allele origin: germline.
Comment: To the best of our knowledge, the EGFR c.2800C>T (p.P934S) variant has not been reported in individuals with EGFR-related disease. This variant was observed in 5/24972 chromosomes in the African/African American subpopulation, with no homozygotes, according to the Genome Aggregation Database (PMID: 32461654) and has been reported in ClinVar (Variation ID: 584698). Functional studies have not been performed, and in silico predictions of the variant's effect on protein function are inconclusive. The evidence is insufficient to meet ACMG/AMP criteria for classifying the variant as benign or pathogenic. Thus, the clinical significance of this variant is currently uncertain.

Mendelics
Classification: Uncertain significance for Hereditary cancer. Last evaluated: 2018-07-02. Review status: criteria provided, single submitter. Criteria: Mendelics Assertion Criteria 2017. Collection method: clinical testing. Allele origin: unknown.